The following is an entry in ClinVar:

ClinVar aggregate classification (germline): Pathogenic. Review status: criteria provided, multiple submitters, no conflicts (2 of 4 stars). 2 submissions from 2 submitters: Pathogenic (2). Last evaluated 2023-03-02.

Conditions:
Familial cancer of breast. Also called: BREAST CANCER, FAMILIAL; Hereditary breast cancer; hereditary breast carcinoma. Identifiers: Orphanet 227535, MedGen C0346153, MONDO:0016419, OMIM 114480. Disease mechanism: loss of function.

Submissions (2):

Myriad Genetics, Inc.
Classification: Pathogenic for Familial cancer of breast. Last evaluated: 2023-03-02. Review status: criteria provided, single submitter. Criteria: Myriad Autosomal Dominant, Autosomal Recessive and X-Linked Classification Criteria (2023). Collection method: clinical testing. Allele origin: unknown.
Comment: This variant is considered pathogenic. This variant creates a frameshift predicted to result in premature protein truncation.

Labcorp Genetics (formerly Invitae), Labcorp
Classification: Pathogenic for Familial cancer of breast. Last evaluated: 2021-08-06. Review status: criteria provided, single submitter. Criteria: Invitae Variant Classification Sherloc (09022015). Collection method: clinical testing. Allele origin: germline.
Comment: This variant has not been reported in the literature in individuals affected with PALB2-related conditions. This sequence change creates a premature translational stop signal (p.Leu603Tyrfs*25) in the PALB2 gene. It is expected to result in an absent or disrupted protein product. Loss-of-function variants in PALB2 are known to be pathogenic (PMID: 17200668, 17200671, 17200672, 24136930, 25099575). This variant is not present in population databases (ExAC no frequency). For these reasons, this variant has been classified as Pathogenic.

Literature cited by the submitters: PubMed 17200668 (cited by Labcorp Genetics (formerly Invitae), Labcorp); PubMed 17200671 (cited by Labcorp Genetics (formerly Invitae), Labcorp); PubMed 17200672 (cited by Labcorp Genetics (formerly Invitae), Labcorp); PubMed 24136930 (cited by Labcorp Genetics (formerly Invitae), Labcorp); PubMed 25099575 (cited by Labcorp Genetics (formerly Invitae), Labcorp).

NM_024675.4(PALB2):c.1807del (p.Leu603fs)

Gene: PALB2 (partner and localizer of BRCA2; minus strand). Cytogenetic location: 16p12.2.
Variant type: Deletion.
Coding change: c.1807del on transcript NM_024675.4 (MANE Select); coding-DNA position 1807, one base deleted (C; older notation c.1807delC).
Protein change: p.Leu603fs; shifts the reading frame from leucine 603.
Molecular consequence: frameshift variant.
Genome position (GRCh38, 1-based): chr16:23,630,347, G deleted on the plus strand (C on the coding strand, the reverse complement: PALB2 is on the minus strand). VCF-style (leftmost placement, unchanged base first): chr16-23630346-AG-A. GRCh37 (hg19) VCF-style: chr16-23641667-AG-A.
Other names: short protein forms L603fs.
Identifiers: ClinVar variation 1448223 (VCV001448223.7), dbSNP rs2142388816, ClinGen allele CA2573152153.